The following is an entry in ClinVar:

NM_138387.4(G6PC3):c.10A>G (p.Thr4Ala)

Gene: G6PC3 (glucose-6-phosphatase catalytic subunit 3; plus strand). Cytogenetic location: 17q21.31.
Variant type: single nucleotide variant.
Coding change: c.10A>G on transcript NM_138387.4 (MANE Select); coding-DNA position 10, A replaced by G.
Protein change: p.Thr4Ala; replaces threonine 4 with alanine.
Molecular consequence: missense variant. On other transcripts: 5 prime UTR variant (3), intron variant (1).
Genome position (GRCh38, 1-based): chr17:44,070,975, A>G. VCF-style: chr17-44070975-A-G. GRCh37 (hg19) VCF-style: chr17-42148343-A-G.
Other names: c.10A>G, p.Thr4Ala (NM_001319945.2); c.-395A>G (NM_001384165.1); c.-530A>G (NM_001384166.1); c.-520A>G (NM_001384167.1); c.-312+261A>G (NM_001384168.1); short protein forms T4A.
Identifiers: ClinVar variation 665433 (VCV000665433.4), dbSNP rs946155355, ClinGen allele CA290903896.

ClinVar aggregate classification (germline): Uncertain significance (1 of 4 stars; one submission).

Conditions:
Autosomal recessive severe congenital neutropenia due to G6PC3 deficiency. Also called: NEUTROPENIA, SEVERE CONGENITAL, 4, AUTOSOMAL RECESSIVE; G6PC3 Deficiency. Identifiers: Orphanet 331176, MedGen C2751630, MONDO:0012930, OMIM 612541.

Allele frequency attached by ClinVar (database versions not stated): TOPMed 0.00004; gnomAD exomes 0.00006; gnomAD 0.00003 and 0.00004.

Submission:

Labcorp Genetics (formerly Invitae), Labcorp
Classification: Uncertain significance for Autosomal recessive severe congenital neutropenia due to G6PC3 deficiency. Last evaluated: 2022-09-19. Review status: criteria provided, single submitter. Criteria: Invitae Variant Classification Sherloc (09022015). Collection method: clinical testing. Allele origin: germline.
Comment: This sequence change replaces threonine, which is neutral and polar, with alanine, which is neutral and non-polar, at codon 4 of the G6PC3 protein (p.Thr4Ala). This variant is present in population databases (no rsID available, gnomAD 0.02%). This variant has not been reported in the literature in individuals affected with G6PC3-related conditions. ClinVar contains an entry for this variant (Variation ID: 665433). Advanced modeling of protein sequence and biophysical properties (such as structural, functional, and spatial information, amino acid conservation, physicochemical variation, residue mobility, and thermodynamic stability) performed at Invitae indicates that this missense variant is not expected to disrupt G6PC3 protein function. In summary, the available evidence is currently insufficient to determine the role of this variant in disease. Therefore, it has been classified as a Variant of Uncertain Significance.